The following is an entry in ClinVar:

ClinVar aggregate classification (germline): Conflicting classifications of pathogenicity. Review status: criteria provided, conflicting classifications (1 of 4 stars). 5 submissions from 5 submitters: Uncertain significance (4); Likely benign (1). Last evaluated 2025-11-05.

Conditions:
BRCA2-related cancer predisposition. Identifiers: MedGen CN377758, MONDO:0700269.
Hereditary cancer-predisposing syndrome. Also called: Neoplastic Syndromes, Hereditary; Tumor predisposition; Hereditary neoplastic syndrome; Hereditary Cancer Syndrome. Identifiers: Orphanet 140162, MedGen C0027672, MeSH D009386, MONDO:0015356.
Hereditary breast ovarian cancer syndrome. Also called: Hereditary breast and ovarian cancer syndrome (HBOC); Hereditary breast and ovarian cancer; Hereditary breast and/or ovarian cancer syndrome; Hereditary breast and ovarian cancer syndrome; Breast and ovarian cancer; BRCA1- and BRCA2-Associated Hereditary Breast and Ovarian Cancer. Identifiers: Orphanet 145, MedGen C0677776, MeSH D061325, MONDO:0003582. Disease mechanism: loss of function.

Allele frequency attached by ClinVar (database versions not stated): ExAC 0.00001.
gnomAD v4.1: 1 of 1,612,634 alleles (0.000062%); no homozygotes.

Submissions (5):

Color Diagnostics, LLC DBA Color Health
Classification: Uncertain significance for Hereditary cancer-predisposing syndrome. Last evaluated: 2025-11-05. Review status: criteria provided, single submitter. Criteria: ACMG Guidelines, 2015. Collection method: clinical testing. Allele origin: germline.
Comment: This missense variant replaces serine with cysteine at codon 3080 of the BRCA2 protein. Computational prediction is inconclusive regarding the impact of this variant on protein structure and function. Functional studies have reported that this variant does not impact BRCA2 in the rescue of Brca2-deficiency in cell growth and sensitivity assays to cisplatin and PARP inhibitor and in a haploid cell proliferation assay (PMID: 39779848, 39779857). This variant has been reported in a multifactorial analysis with co-occurrence and family history likelihood ratios for pathogenicity of 1.0498 and 0.492, respectively (PMID: 31131967). This variant has been identified in 2/250310 chromosomes in the general population by the Genome Aggregation Database (gnomAD). The available evidence is insufficient to determine the role of this variant in disease conclusively. Therefore, this variant is classified as a Variant of Uncertain Significance.

Ambry Genetics
Classification: Likely benign for Hereditary cancer-predisposing syndrome. Last evaluated: 2025-05-15. Review status: criteria provided, single submitter. Criteria: Ambry Variant Classification Scheme 2023. Collection method: clinical testing. Allele origin: germline.

All of Us Research Program, National Institutes of Health
Classification: Uncertain significance for BRCA2-related cancer predisposition. Last evaluated: 2024-05-14. Review status: criteria provided, single submitter. Criteria: ACMG Guidelines, 2015. Collection method: clinical testing. Allele origin: germline. Inheritance: Autosomal dominant inheritance. Observed: 1 variant allele, 1 heterozygote.
Comment: This missense variant replaces serine with cysteine at codon 3080 of the BRCA2 protein. Computational prediction is inconclusive regarding the impact of this variant on protein structure and function. To our knowledge, functional studies have not been reported for this variant. This variant has been reported in a multifactorial analysis with co-occurrence and family history likelihood ratios for pathogenicity of 1.0498 and 0.492, respectively (PMID: 31131967). This variant has been identified in 2/250310 chromosomes in the general population by the Genome Aggregation Database (gnomAD). The available evidence is insufficient to determine the role of this variant in disease conclusively. Therefore, this variant is classified as a Variant of Uncertain Significance.

This study involves interpretation of variants in research participants for the purpose of population health screening. Participant phenotype was not available at the time of variant classification. Additional details can be found in publication PMID: 35346344, PMCID: PMC8962531

GeneDx
Classification: Uncertain significance. Last evaluated: 2024-05-05. Review status: criteria provided, single submitter. Criteria: GeneDx Variant Classification Process June 2021. Collection method: clinical testing. Allele origin: germline. Affected: yes.
Comment: Not observed at significant frequency in large population cohorts (gnomAD); In silico analysis indicates that this missense variant does not alter protein structure/function; Has not been previously published as pathogenic or benign to our knowledge; Also known as 9467C>G; This variant is associated with the following publications: (PMID: 31131967, 12228710)

Labcorp Genetics (formerly Invitae), Labcorp
Classification: Uncertain significance for Hereditary breast ovarian cancer syndrome. Last evaluated: 2023-05-15. Review status: criteria provided, single submitter. Criteria: Invitae Variant Classification Sherloc (09022015). Collection method: clinical testing. Allele origin: germline.
Comment: This sequence change replaces serine, which is neutral and polar, with cysteine, which is neutral and slightly polar, at codon 3080 of the BRCA2 protein (p.Ser3080Cys). This variant is present in population databases (rs757824441, gnomAD 0.003%). In summary, the available evidence is currently insufficient to determine the role of this variant in disease. Therefore, it has been classified as a Variant of Uncertain Significance. This variant has not been reported in the literature in individuals affected with BRCA2-related conditions. ClinVar contains an entry for this variant (Variation ID: 567735). Advanced modeling of protein sequence and biophysical properties (such as structural, functional, and spatial information, amino acid conservation, physicochemical variation, residue mobility, and thermodynamic stability) performed at Invitae indicates that this missense variant is not expected to disrupt BRCA2 protein function.

Literature cited by the submitters: PubMed 31131967 (cited by Color Diagnostics, LLC DBA Color Health and All of Us Research Program, National Institutes of Health); PubMed 39779848 (cited by Color Diagnostics, LLC DBA Color Health); PubMed 39779857 (cited by Color Diagnostics, LLC DBA Color Health).

NM_000059.4(BRCA2):c.9239C>G (p.Ser3080Cys)

Gene: BRCA2 (BRCA2 DNA repair associated; plus strand). Cytogenetic location: 13q13.1.
Variant type: single nucleotide variant.
Coding change: c.9239C>G on transcript NM_000059.4 (MANE Select); coding-DNA position 9239, C replaced by G.
Protein change: p.Ser3080Cys; replaces serine 3080 with cysteine.
Molecular consequence: missense variant.
Genome position (GRCh38, 1-based): chr13:32,380,128, C>G. VCF-style: chr13-32380128-C-G. GRCh37 (hg19) VCF-style: chr13-32954265-C-G.
Other names: short protein forms S3080C.
Identifiers: ClinVar variation 567735 (VCV000567735.20), dbSNP rs757824441, ClinGen allele CA6941358.